The following is an entry in ClinVar:

ClinVar aggregate classification (germline): Uncertain significance (1 of 4 stars; one submission).

gnomAD v4.1: 12 of 1,210,104 alleles (0.00099%); highest among the groups gnomAD compares: Non-Finnish European, 0.0012%; no homozygotes.

Submission:

GeneDx
Classification: Uncertain significance. Last evaluated: 2025-02-04. Review status: criteria provided, single submitter. Criteria: GeneDx Variant Classification Process June 2021. Collection method: clinical testing. Allele origin: germline. Affected: yes.
Comment: Not observed at significant frequency in large population cohorts (gnomAD); In silico analysis supports that this missense variant has a deleterious effect on protein structure/function; Has not been previously published as pathogenic or benign to our knowledge

NM_173495.3(PTCHD1):c.1928T>A (p.Val643Glu)

Gene: PTCHD1 (patched domain containing 1; plus strand). Cytogenetic location: Xp22.11.
Variant type: single nucleotide variant.
Coding change: c.1928T>A on transcript NM_173495.3 (MANE Select); coding-DNA position 1928, T replaced by A.
Protein change: p.Val643Glu; replaces valine 643 with glutamic acid.
Molecular consequence: missense variant.
Genome position (GRCh38, 1-based): chrX:23,393,446, T>A. VCF-style: chrX-23393446-T-A. GRCh37 (hg19) VCF-style: chrX-23411563-T-A.
Other names: short protein forms V643E.
Identifiers: ClinVar variation 4072827 (VCV004072827.1).